The following is an entry in ClinVar:

NM_001164508.2(NEB):c.2479A>G (p.Ile827Val)

Gene: NEB (nebulin; minus strand). Cytogenetic location: 2q23.3.
Variant type: single nucleotide variant.
Coding change: c.2479A>G on transcript NM_001164508.2 (MANE Select); coding-DNA position 2479, A replaced by G.
Protein change: p.Ile827Val; replaces isoleucine 827 with valine.
Molecular consequence: missense variant.
Genome position (GRCh38, 1-based): chr2:151,687,670, T>C on the plus strand (A>G on the coding strand, the complement: NEB is on the minus strand). VCF-style: chr2-151687670-T-C. GRCh37 (hg19) VCF-style: chr2-152544184-T-C.
Other names: c.2479A>G, p.Ile827Val (NM_001271208.2, NM_004543.5, NM_001164507.2); short protein forms I827V.
Identifiers: ClinVar variation 2000678 (VCV002000678.1), dbSNP rs2552266227, ClinGen allele CA348822885.

ClinVar aggregate classification (germline): Uncertain significance (1 of 4 stars; one submission).

Conditions:
Nemaline myopathy 2 (NEM2). Also called: Nemaline myopathy 2, autosomal recessive. Identifiers: MedGen C1850569, MONDO:0009725, OMIM 256030.

Submission:

Labcorp Genetics (formerly Invitae), Labcorp
Classification: Uncertain significance for Nemaline myopathy 2. Last evaluated: 2022-05-29. Review status: criteria provided, single submitter. Criteria: Invitae Variant Classification Sherloc (09022015). Collection method: clinical testing. Allele origin: germline.
Comment: This sequence change replaces isoleucine, which is neutral and non-polar, with valine, which is neutral and non-polar, at codon 827 of the NEB protein (p.Ile827Val). This variant is not present in population databases (gnomAD no frequency). This variant has not been reported in the literature in individuals affected with NEB-related conditions. Algorithms developed to predict the effect of missense changes on protein structure and function are either unavailable or do not agree on the potential impact of this missense change (SIFT: "Deleterious"; PolyPhen-2: "Not Available"; Align-GVGD: "Class C0"). In summary, the available evidence is currently insufficient to determine the role of this variant in disease. Therefore, it has been classified as a Variant of Uncertain Significance.